The following is an entry in ClinVar:

ClinVar aggregate classification (germline): Uncertain significance (1 of 4 stars; one submission).

gnomAD v4.1: 1 of 1,614,106 alleles (0.000062%); highest among the groups gnomAD compares: Non-Finnish European, 0.000085%; no homozygotes.

Submission:

GeneDx
Classification: Uncertain significance. Last evaluated: 2026-03-02. Review status: criteria provided, single submitter. Criteria: GeneDx Variant Classification Process June 2021. Collection method: clinical testing. Allele origin: germline.
Comment: Not observed at significant frequency in large population cohorts (gnomAD); In silico analysis suggests that this missense variant does not alter protein structure/function; Has not been previously published as pathogenic or benign to our knowledge

NM_020458.4(TTC7A):c.1756C>G (p.Leu586Val)

Gene: TTC7A (tetratricopeptide repeat domain 7A; plus strand). Cytogenetic location: 2p21.
Variant type: single nucleotide variant.
Coding change: c.1756C>G on transcript NM_020458.4 (MANE Select); coding-DNA position 1756, C replaced by G.
Protein change: p.Leu586Val; replaces leucine 586 with valine.
Molecular consequence: missense variant.
Genome position (GRCh38, 1-based): chr2:47,029,338, C>G. VCF-style: chr2-47029338-C-G. GRCh37 (hg19) VCF-style: chr2-47256477-C-G.
Other names: c.1756C>G, p.Leu586Val (NM_001288951.2); c.1654C>G, p.Leu552Val (NM_001288953.2); c.694C>G, p.Leu232Val (NM_001288955.2); short protein forms L552V, L232V, L586V.
Identifiers: ClinVar variation 5008112 (VCV005008112.1).